The following is an entry in ClinVar:

NM_004333.6(BRAF):c.1992+3A>G

Gene: BRAF (B-Raf proto-oncogene, serine/threonine kinase; minus strand). Cytogenetic location: 7q34.
Variant type: single nucleotide variant.
Coding change: c.1992+3A>G on transcript NM_004333.6 (MANE Select); 3 bases into the intron after coding-DNA position 1992, A replaced by G.
Molecular consequence: intron variant.
Genome position (GRCh38, 1-based): chr7:140,749,284, T>C on the plus strand (A>G on the coding strand, the complement: BRAF is on the minus strand). VCF-style: chr7-140749284-T-C. GRCh37 (hg19) VCF-style: chr7-140449084-T-C.
Other names: c.1992+3A>G (NM_001378474.1, NM_001378468.1, NM_001354609.2); c.1890+3A>G (NM_001378470.1); c.1728+3A>G (NM_001378475.1); c.1881+3A>G (NM_001378471.1); c.2112+3A>G (NM_001374258.1, NM_001374244.1); c.2001+3A>G (NM_001378467.1); c.1836+3A>G (NM_001378472.1, NM_001378473.1); c.1926+3A>G (NM_001378469.1).
Identifiers: ClinVar variation 947094 (VCV000947094.11), dbSNP rs1797595959, ClinGen allele CA1139660290.

ClinVar aggregate classification (germline): Uncertain significance. Review status: criteria provided, multiple submitters, no conflicts (2 of 4 stars). 2 submissions from 2 submitters: Uncertain significance (2). Last evaluated 2025-10-26.

Conditions:
RASopathy. Also called: rasopathies; Noonan spectrum disorder. Identifiers: Orphanet 536391, MedGen C5555857, MONDO:0021060.

Allele frequency attached by ClinVar (database versions not stated): gnomAD exomes below 0.00001.
gnomAD v4.1: 4 of 1,610,948 alleles (0.00025%); highest among the groups gnomAD compares: Admixed American, 0.005%; no homozygotes.

Submissions (2):

Labcorp Genetics (formerly Invitae), Labcorp
Classification: Uncertain significance for RASopathy. Last evaluated: 2025-10-26. Review status: criteria provided, single submitter. Criteria: Invitae Variant Classification Sherloc (09022015). Collection method: clinical testing. Allele origin: germline.
Comment: This sequence change falls in intron 16 of the BRAF gene. It does not directly change the encoded amino acid sequence of the BRAF protein. It affects a nucleotide within the consensus splice site. This variant is not present in population databases (gnomAD no frequency). This variant has not been reported in the literature in individuals affected with BRAF-related conditions. ClinVar contains an entry for this variant (Variation ID: 947094). Variants that disrupt the consensus splice site are a relatively common cause of aberrant splicing (PMID: 17576681, 9536098). Algorithms developed to predict the effect of sequence changes on RNA splicing suggest that this variant is not likely to affect RNA splicing. In summary, the available evidence is currently insufficient to determine the role of this variant in disease. Therefore, it has been classified as a Variant of Uncertain Significance.

Greenwood Genetic Center Diagnostic Laboratories, Greenwood Genetic Center
Classification: Uncertain significance. Last evaluated: 2022-12-13. Review status: criteria provided, single submitter. Criteria: ACMG Guidelines, 2015. Collection method: clinical testing. Allele origin: germline. Affected: yes.
Comment: PM2

Literature cited by the submitters: PubMed 17576681 (cited by Labcorp Genetics (formerly Invitae), Labcorp); PubMed 9536098 (cited by Labcorp Genetics (formerly Invitae), Labcorp).